The following is an entry in ClinVar:

NM_006904.7(PRKDC):c.4384G>C (p.Gly1462Arg)

Gene: PRKDC (protein kinase, DNA-activated, catalytic subunit; minus strand). Cytogenetic location: 8q11.21.
Variant type: single nucleotide variant.
Coding change: c.4384G>C on transcript NM_006904.7 (MANE Select); coding-DNA position 4384, G replaced by C.
Protein change: p.Gly1462Arg; replaces glycine 1462 with arginine.
Molecular consequence: missense variant.
Genome position (GRCh38, 1-based): chr8:47,888,547, C>G on the plus strand (G>C on the coding strand, the complement: PRKDC is on the minus strand). VCF-style: chr8-47888547-C-G. GRCh37 (hg19) VCF-style: chr8-48801108-C-G.
Other names: c.4384G>C, p.Gly1462Arg (NM_001081640.2); short protein forms G1462R.
Identifiers: ClinVar variation 3425407 (VCV003425407.1).

ClinVar aggregate classification (germline): Uncertain significance (1 of 4 stars; one submission).

gnomAD v4.1: 5 of 1,576,760 alleles (0.00032%); highest among the groups gnomAD compares: Non-Finnish European, 0.00043%; no homozygotes.

Submission:

Ambry Genetics
Classification: Uncertain significance. Last evaluated: 2024-11-14. Review status: criteria provided, single submitter. Criteria: Ambry Variant Classification Scheme 2023. Collection method: clinical testing. Allele origin: germline.
Comment: The p.G1462R variant (also known as c.4384G>C), located in coding exon 34 of the PRKDC gene, results from a G to C substitution at nucleotide position 4384. The glycine at codon 1462 is replaced by arginine, an amino acid with dissimilar properties. This amino acid position is conserved. In addition, this alteration is predicted to be tolerated by in silico analysis. Based on the available evidence, the clinical significance of this variant remains unclear.